The following is an entry in ClinVar:

ClinVar aggregate classification (germline): Uncertain significance (1 of 4 stars; one submission).

Conditions:
Inborn genetic diseases. Identifiers: MedGen C0950123, MeSH D030342.

Submission:

Ambry Genetics
Classification: Uncertain significance for Inborn genetic diseases. Last evaluated: 2025-07-14. Review status: criteria provided, single submitter. Criteria: Ambry Variant Classification Scheme 2023. Collection method: clinical testing. Allele origin: germline.
Comment: The p.N468S variant (also known as c.1403A>G), located in coding exon 13 of the ANKRD26 gene, results from an A to G substitution at nucleotide position 1403. The asparagine at codon 468 is replaced by serine, an amino acid with highly similar properties. This amino acid position is conserved. In addition, this alteration is predicted to be tolerated by in silico analysis. Based on the available evidence, the clinical significance of this variant remains unclear.

NM_014915.3(ANKRD26):c.1403A>G (p.Asn468Ser)

Gene: ANKRD26 (ankyrin repeat domain containing 26; minus strand). Cytogenetic location: 10p12.1.
Variant type: single nucleotide variant.
Coding change: c.1403A>G on transcript NM_014915.3 (MANE Select); coding-DNA position 1403, A replaced by G.
Protein change: p.Asn468Ser; replaces asparagine 468 with serine.
Molecular consequence: missense variant.
Genome position (GRCh38, 1-based): chr10:27,061,203, T>C on the plus strand (A>G on the coding strand, the complement: ANKRD26 is on the minus strand). VCF-style: chr10-27061203-T-C. GRCh37 (hg19) VCF-style: chr10-27350132-T-C.
Other names: c.1403A>G, p.Asn468Ser (NM_001256053.2); short protein forms N468S.
Identifiers: ClinVar variation 4103522 (VCV004103522.1).
Genomic context (GRCh38, chr10:27,061,203, plus strand): 5'-CCCATGTGGGCTACTGGCATGCCTACATTTCTTGTATCCTCTAGTTTAGCCATCTTAAAG[T>C]TTCTTGATCCACTCATGCAAGAAGGTATATAAAACACATCTAAGAAATAATACATAATAA-3'
Protein context (NP_055730.2, residues 458-478): YIPSCMSGSR[Asn468Ser]FKMAKLEDTR